The following is an entry in ClinVar:

ClinVar aggregate classification (germline): Uncertain significance (0 of 4 stars; one submission).

Conditions:
Autism (AUTS). Also called: Autistic disorder of childhood onset; Autistic disorder. Identifiers: MedGen C0004352, MeSH D001321, MONDO:0005260, OMIM 209850, HP:0000717.

gnomAD v4.1: 1 of 1,613,762 alleles (0.000062%); highest among the groups gnomAD compares: South Asian, 0.0011%; no homozygotes.

Submission:

Centre for Addiction & Mental Health
Classification: Uncertain significance for Autism. Review status: no assertion criteria provided. Collection method: research. Allele origin: biparental. Affected: yes. Observed: 1 homozygote. Segregation with disease observed.
Comment: Gene not previously associated with disease; independent supportng evidence needed

NM_004441.5(EPHB1):c.2122T>C (p.Phe708Leu)

Gene: EPHB1 (EPH receptor B1; plus strand). Cytogenetic location: 3q22.2.
Variant type: single nucleotide variant.
Coding change: c.2122T>C on transcript NM_004441.5 (MANE Select); coding-DNA position 2122, T replaced by C.
Protein change: p.Phe708Leu; replaces phenylalanine 708 with leucine.
Molecular consequence: missense variant.
Genome position (GRCh38, 1-based): chr3:135,192,815, T>C. VCF-style: chr3-135192815-T-C. GRCh37 (hg19) VCF-style: chr3-134911657-T-C.
Other names: short protein forms F708L.
Identifiers: ClinVar variation 3338175 (VCV003338175.2).